The following is an entry in ClinVar:

ClinVar aggregate classification (germline): Uncertain significance (1 of 4 stars; one submission).

Submission:

Labcorp Genetics (formerly Invitae), Labcorp
Classification: Uncertain significance. Last evaluated: 2024-09-16. Review status: criteria provided, single submitter. Criteria: Invitae Variant Classification Sherloc (09022015). Collection method: clinical testing. Allele origin: germline.
Comment: This sequence change replaces lysine, which is basic and polar, with glutamic acid, which is acidic and polar, at codon 1371 of the DOCK6 protein (p.Lys1371Glu). This variant is not present in population databases (gnomAD no frequency). This variant has not been reported in the literature in individuals affected with DOCK6-related conditions. ClinVar contains an entry for this variant (Variation ID: 1993888). Invitae Evidence Modeling of protein sequence and biophysical properties (such as structural, functional, and spatial information, amino acid conservation, physicochemical variation, residue mobility, and thermodynamic stability) has been performed for this missense variant. However, the output from this modeling did not meet the statistical confidence thresholds required to predict the impact of this variant on DOCK6 protein function. In summary, the available evidence is currently insufficient to determine the role of this variant in disease. Therefore, it has been classified as a Variant of Uncertain Significance.

NM_020812.4(DOCK6):c.4111A>G (p.Lys1371Glu)

Genes: DOCK6 (dedicator of cytokinesis 6; minus strand), DOCK6-AS1 (DOCK6 antisense RNA 1; plus strand). Cytogenetic location: 19p13.2.
Variant type: single nucleotide variant.
Coding change: c.4111A>G on transcript NM_020812.4 (MANE Select); coding-DNA position 4111, A replaced by G.
Protein change: p.Lys1371Glu; replaces lysine 1371 with glutamic acid.
Molecular consequence: missense variant.
Genome position (GRCh38, 1-based): chr19:11,214,645, T>C on the plus strand (A>G on the coding strand, the complement: DOCK6 is on the minus strand). VCF-style: chr19-11214645-T-C. GRCh37 (hg19) VCF-style: chr19-11325321-T-C.
Other names: c.4216A>G, p.Lys1406Glu (NM_001367830.1); short protein forms K1371E, K1406E.
Identifiers: ClinVar variation 1993888 (VCV001993888.4), dbSNP rs2512997435, ClinGen allele CA404084163.